The following is an entry in ClinVar:

ClinVar aggregate classification (germline): Uncertain significance (1 of 4 stars; one submission).

Conditions:
Hereditary cancer-predisposing syndrome. Also called: Neoplastic Syndromes, Hereditary; Tumor predisposition; Hereditary Cancer Syndrome; Hereditary neoplastic syndrome. Identifiers: Orphanet 140162, MedGen C0027672, MeSH D009386, MONDO:0015356.

Submission:

Ambry Genetics
Classification: Uncertain significance for Hereditary cancer-predisposing syndrome. Last evaluated: 2024-08-27. Review status: criteria provided, single submitter. Criteria: Ambry Variant Classification Scheme 2023. Collection method: clinical testing. Allele origin: germline.
Comment: The p.S1820P variant (also known as c.5458T>C), located in coding exon 15 of the APC gene, results from a T to C substitution at nucleotide position 5458. The serine at codon 1820 is replaced by proline, an amino acid with similar properties. This amino acid position is conserved. In addition, in silico predictors for this gene do not accurately predict pathogenicity. Based on the available evidence, the clinical significance of this variant remains unclear.

NM_000038.6(APC):c.5458T>C (p.Ser1820Pro)

Gene: APC (APC regulator of Wnt signaling pathway; plus strand). Cytogenetic location: 5q22.2.
Variant type: single nucleotide variant.
Coding change: c.5458T>C on transcript NM_000038.6 (MANE Select); coding-DNA position 5458, T replaced by C.
Protein change: p.Ser1820Pro; replaces serine 1820 with proline.
Molecular consequence: missense variant. On other transcripts: non-coding transcript variant (2).
Genome position (GRCh38, 1-based): chr5:112,841,052, T>C. VCF-style: chr5-112841052-T-C. GRCh37 (hg19) VCF-style: chr5-112176749-T-C.
Other names: c.5458T>C, p.Ser1820Pro (NM_001127510.3, NM_001354895.2, NM_001407450.1); c.5404T>C, p.Ser1802Pro (NM_001127511.3); c.5512T>C, p.Ser1838Pro (NM_001354896.2, NM_001407447.1, NM_001407448.1 and 1 more transcripts); c.5488T>C, p.Ser1830Pro (NM_001354897.2); c.5383T>C, p.Ser1795Pro (NM_001354898.2); c.5374T>C, p.Ser1792Pro (NM_001354899.2); c.5335T>C, p.Ser1779Pro (NM_001354900.2); c.5281T>C, p.Ser1761Pro (NM_001354901.2, NM_001407453.1); and 11 more; short protein forms S1694P, S1737P, S1761P, S1813P, S1848P, S1436P, S1537P, S1660P.
Identifiers: ClinVar variation 3410621 (VCV003410621.1).